The following is an entry in ClinVar:

NM_018838.5(NDUFA12):c.317G>T (p.Arg106Leu)

Gene: NDUFA12 (NADH:ubiquinone oxidoreductase subunit A12; minus strand). Cytogenetic location: 12q22.
Variant type: single nucleotide variant.
Coding change: c.317G>T on transcript NM_018838.5 (MANE Select); coding-DNA position 317, G replaced by T.
Protein change: p.Arg106Leu; replaces arginine 106 with leucine.
Molecular consequence: missense variant. On other transcripts: 3 prime UTR variant (1).
Genome position (GRCh38, 1-based): chr12:94,971,561, C>A on the plus strand (G>T on the coding strand, the complement: NDUFA12 is on the minus strand). VCF-style: chr12-94971561-C-A. GRCh37 (hg19) VCF-style: chr12-95365337-C-A.
Other names: c.*37G>T (NM_001258338.2); short protein forms R106L.
Identifiers: ClinVar variation 1713586 (VCV001713586.5), dbSNP rs374995908, ClinGen allele CA386148020.

ClinVar aggregate classification (germline): Uncertain significance (1 of 4 stars; one submission).

gnomAD v4.1: 1 of 1,614,084 alleles (0.000062%); highest among the groups gnomAD compares: Non-Finnish European, 0.000085%; no homozygotes.

Submission:

Labcorp Genetics (formerly Invitae), Labcorp
Classification: Uncertain significance. Last evaluated: 2022-07-23. Review status: criteria provided, single submitter. Criteria: Invitae Variant Classification Sherloc (09022015). Collection method: clinical testing. Allele origin: germline.
Comment: In summary, the available evidence is currently insufficient to determine the role of this variant in disease. Therefore, it has been classified as a Variant of Uncertain Significance. Algorithms developed to predict the effect of missense changes on protein structure and function are either unavailable or do not agree on the potential impact of this missense change (SIFT: "Tolerated"; PolyPhen-2: "Possibly Damaging"; Align-GVGD: "Class C0"). This variant has not been reported in the literature in individuals affected with NDUFA12-related conditions. This variant is not present in population databases (gnomAD no frequency). This sequence change replaces arginine, which is basic and polar, with leucine, which is neutral and non-polar, at codon 106 of the NDUFA12 protein (p.Arg106Leu).